The following is an entry in ClinVar:

NM_001080517.3(SETD5):c.960-6C>G

Gene: SETD5 (SET domain containing 5; plus strand). Cytogenetic location: 3p25.3.
Variant type: single nucleotide variant.
Coding change: c.960-6C>G on transcript NM_001080517.3 (MANE Select); 6 bases into the intron before coding-DNA position 960, C replaced by G.
Molecular consequence: intron variant.
Genome position (GRCh38, 1-based): chr3:9,442,122, C>G. VCF-style: chr3-9442122-C-G. GRCh37 (hg19) VCF-style: chr3-9483806-C-G.
Other names: c.666-6C>G (NM_001349451.2, NM_001292043.2).
Identifiers: ClinVar variation 1476332 (VCV001476332.8), dbSNP rs780130566, ClinGen allele CA2573136955.

ClinVar aggregate classification (germline): Pathogenic (1 of 4 stars; one submission).

Submission:

Labcorp Genetics (formerly Invitae), Labcorp
Classification: Pathogenic. Last evaluated: 2022-02-24. Review status: criteria provided, single submitter. Criteria: Invitae Variant Classification Sherloc (09022015). Collection method: clinical testing. Allele origin: germline.
Comment: For these reasons, this variant has been classified as Pathogenic. Algorithms developed to predict the effect of sequence changes on RNA splicing suggest that this variant may disrupt the consensus splice site. This variant has been observed in individual(s) with clinical features of SETD5-related neurodevelopmental syndrome (Invitae). In at least one individual the variant was observed to be de novo. This variant is not present in population databases (gnomAD no frequency). This sequence change falls in intron 9 of the SETD5 gene. It does not directly change the encoded amino acid sequence of the SETD5 protein.